The following is an entry in ClinVar:

ClinVar aggregate classification (germline): Benign. Review status: criteria provided, single submitter (1 of 4 stars). 2 submissions from 2 submitters: Benign (1). 1 of the submissions does not count toward it. Last evaluated 2025-10-10.

Conditions:
KMT2D-related disorder. Also called: KMT2D-Related Disorders.
Kabuki syndrome. Also called: NIIKAWA-KUROKI SYNDROME; Kabuki make-up syndrome. Identifiers: Orphanet 2322, MedGen C0796004, MONDO:0016512.

Allele frequency attached by ClinVar (database versions not stated): gnomAD exomes below 0.00001 and 0.00001; ExAC 0.00001; TOPMed 0.00005; gnomAD 0.00007; ESP Exome Variant Server 0.00016.
gnomAD v4.1: 15 of 1,613,838 alleles (0.00093%); highest among the groups gnomAD compares: African/African-American, 0.015%; no homozygotes.

Submissions (2):

Labcorp Genetics (formerly Invitae), Labcorp
Classification: Benign for Kabuki syndrome. Last evaluated: 2025-10-10. Review status: criteria provided, single submitter. Criteria: Invitae Variant Classification Sherloc (09022015). Collection method: clinical testing. Allele origin: germline.

PreventionGenetics, part of Exact Sciences
Classification: Uncertain significance for KMT2D-related condition. Last evaluated: 2024-05-13. Review status: no assertion criteria provided. Collection method: clinical testing. Allele origin: germline. Not counted in ClinVar's aggregate classification.
Comment: The KMT2D c.5692G>A variant is predicted to result in the amino acid substitution p.Val1898Ile. To our knowledge, this variant has not been reported in the literature. This variant is reported in 0.012% of alleles in individuals of African descent in gnomAD. Although we suspect that this variant may be benign, at this time, the clinical significance of this variant is uncertain due to the absence of conclusive functional and genetic evidence.

NM_003482.4(KMT2D):c.5692G>A (p.Val1898Ile)

Gene: KMT2D (lysine methyltransferase 2D; minus strand). Cytogenetic location: 12q13.12.
Variant type: single nucleotide variant.
Coding change: c.5692G>A on transcript NM_003482.4 (MANE Select); coding-DNA position 5692, G replaced by A.
Protein change: p.Val1898Ile; replaces valine 1898 with isoleucine.
Molecular consequence: missense variant.
Genome position (GRCh38, 1-based): chr12:49,042,831, C>T on the plus strand (G>A on the coding strand, the complement: KMT2D is on the minus strand). VCF-style: chr12-49042831-C-T. GRCh37 (hg19) VCF-style: chr12-49436614-C-T.
Other names: c.5692G>A (NM_003482.3); short protein forms V1898I.
Identifiers: ClinVar variation 1358784 (VCV001358784.8), dbSNP rs374902745, ClinGen allele CA6547466.